The following is an entry in ClinVar:

NM_004364.5(CEBPA):c.421G>A (p.Gly141Ser)

Gene: CEBPA (CCAAT enhancer binding protein alpha; minus strand). Cytogenetic location: 19q13.11.
Variant type: single nucleotide variant.
Coding change: c.421G>A on transcript NM_004364.5 (MANE Select); coding-DNA position 421, G replaced by A.
Protein change: p.Gly141Ser; replaces glycine 141 with serine.
Molecular consequence: missense variant.
Genome position (GRCh38, 1-based): chr19:33,301,994, C>T on the plus strand (G>A on the coding strand, the complement: CEBPA is on the minus strand). VCF-style: chr19-33301994-C-T. GRCh37 (hg19) VCF-style: chr19-33792900-C-T.
Other names: c.64G>A, p.Gly22Ser (NM_001285829.2); c.526G>A, p.Gly176Ser (NM_001287424.2); c.379G>A, p.Gly127Ser (NM_001287435.2); c.421G>A (NM_004364.3); short protein forms G141S, G176S, G127S, G22S.
Identifiers: ClinVar variation 1046013 (VCV001046013.10), dbSNP rs1408671093, ClinGen allele CA405274990.

ClinVar aggregate classification (germline): Uncertain significance. Review status: criteria provided, multiple submitters, no conflicts (2 of 4 stars). 2 submissions from 2 submitters: Uncertain significance (2). Last evaluated 2026-04-28.

Conditions:
Inborn genetic diseases. Identifiers: MedGen C0950123, MeSH D030342.
Acute myeloid leukemia (AML). Also called: Acute myeloid leukemia, adult; AML adult; Acute non-lymphocytic leukemia; Acute granulocytic leukemia; Leukemia, acute myelogenous, somatic; Leukemia, acute myeloid, somatic. Identifiers: Orphanet 519, MedGen C0023467, MeSH D015470, MONDO:0018874, OMIM 601626, HP:0004808. Disease mechanism: Constitutively activated FLT3.

gnomAD v4.1: 3 of 1,191,248 alleles (0.00025%); highest among the groups gnomAD compares: Non-Finnish European, 0.00031%; no homozygotes.

Submissions (2):

Ambry Genetics
Classification: Uncertain significance for Inborn genetic diseases. Last evaluated: 2026-04-28. Review status: criteria provided, single submitter. Criteria: Ambry Variant Classification Scheme 2023. Collection method: clinical testing. Allele origin: germline.
Comment: The p.G141S variant (also known as c.421G>A), located in coding exon 1 of the CEBPA gene, results from a G to A substitution at nucleotide position 421. The glycine at codon 141 is replaced by serine, an amino acid with similar properties. This amino acid position is conserved. In addition, this alteration is predicted to be tolerated by in silico analysis. Based on the available evidence, the clinical significance of this variant remains unclear.

Labcorp Genetics (formerly Invitae), Labcorp
Classification: Uncertain significance for Acute myeloid leukemia. Last evaluated: 2024-06-25. Review status: criteria provided, single submitter. Criteria: Invitae Variant Classification Sherloc (09022015). Collection method: clinical testing. Allele origin: germline.
Comment: This sequence change replaces glycine, which is neutral and non-polar, with serine, which is neutral and polar, at codon 141 of the CEBPA protein (p.Gly141Ser). The frequency data for this variant in the population databases is considered unreliable, as metrics indicate insufficient coverage at this position in the gnomAD database. This variant has not been reported in the literature in individuals affected with CEBPA-related conditions. ClinVar contains an entry for this variant (Variation ID: 1046013). Advanced modeling of protein sequence and biophysical properties (such as structural, functional, and spatial information, amino acid conservation, physicochemical variation, residue mobility, and thermodynamic stability) performed at Invitae indicates that this missense variant is not expected to disrupt CEBPA protein function with a negative predictive value of 80%. In summary, the available evidence is currently insufficient to determine the role of this variant in disease. Therefore, it has been classified as a Variant of Uncertain Significance.